The following is an entry in ClinVar:

NM_000264.5(PTCH1):c.148C>A (p.Leu50Met)

Genes: PTCH1 (patched 1; minus strand), LOC130002133 (ATAC-STARR-seq lymphoblastoid silent region 20071; plus strand). Cytogenetic location: 9q22.32.
Variant type: single nucleotide variant.
Coding change: c.148C>A on transcript NM_000264.5 (MANE Select); coding-DNA position 148, C replaced by A.
Protein change: p.Leu50Met; replaces leucine 50 with methionine.
Molecular consequence: missense variant. On other transcripts: non-coding transcript variant (1), intron variant (3).
Genome position (GRCh38, 1-based): chr9:95,508,214, G>T on the plus strand (C>A on the coding strand, the complement: PTCH1 is on the minus strand). VCF-style: chr9-95508214-G-T. GRCh37 (hg19) VCF-style: chr9-98270496-G-T.
Other names: c.148C>A, p.Leu50Met (NM_001354918.2); c.199-1615C>A (NM_001083603.3); c.4-1615C>A (NM_001083602.3, NM_001354919.2); short protein forms L50M.
Identifiers: ClinVar variation 2682060 (VCV002682060.4), dbSNP rs748950681, ClinGen allele CA374121351.

ClinVar aggregate classification (germline): Uncertain significance. Review status: criteria provided, multiple submitters, no conflicts (2 of 4 stars). 2 submissions from 2 submitters: Uncertain significance (2). Last evaluated 2024-04-02.

Conditions:
Gorlin syndrome. Also called: Nevoid Basal Cell Carcinoma Syndrome; Basal cell nevus syndrome. Identifiers: Orphanet 377, MedGen C0004779, MONDO:0007187.

gnomAD v4.1: 1 of 1,612,080 alleles (0.000062%); no homozygotes.

Submissions (2):

Labcorp Genetics (formerly Invitae), Labcorp
Classification: Uncertain significance for Gorlin syndrome. Last evaluated: 2024-04-02. Review status: criteria provided, single submitter. Criteria: Invitae Variant Classification Sherloc (09022015). Collection method: clinical testing. Allele origin: germline.
Comment: This sequence change replaces leucine, which is neutral and non-polar, with methionine, which is neutral and non-polar, at codon 50 of the PTCH1 protein (p.Leu50Met). This variant is not present in population databases (gnomAD no frequency). This variant has not been reported in the literature in individuals affected with PTCH1-related conditions. Advanced modeling of protein sequence and biophysical properties (such as structural, functional, and spatial information, amino acid conservation, physicochemical variation, residue mobility, and thermodynamic stability) performed at Invitae indicates that this missense variant is not expected to disrupt PTCH1 protein function with a negative predictive value of 95%. In summary, the available evidence is currently insufficient to determine the role of this variant in disease. Therefore, it has been classified as a Variant of Uncertain Significance.

Quest Diagnostics Nichols Institute San Juan Capistrano
Classification: Uncertain significance. Last evaluated: 2022-12-27. Review status: criteria provided, single submitter. Criteria: Quest Diagnostics criteria. Collection method: clinical testing. Allele origin: unknown.
Comment: This variant has not been reported in the published literature. It also has not been reported in large, multi-ethnic general populations. Analysis of this variant using bioinformatics tools for the prediction of the effect of amino acid changes on protein structure and function yielded conflicting predictions that this variant is benign or damaging. Based on the available information, we are unable to determine the clinical significance of this variant.